The following is an entry in ClinVar:

ClinVar aggregate classification (germline): Uncertain significance. Review status: criteria provided, multiple submitters, no conflicts (2 of 4 stars). 2 submissions from 2 submitters: Uncertain significance (2). Last evaluated 2025-12-24.

Conditions:
Hypertrophic cardiomyopathy. Also called: HYPERTROPHIC MYOCARDIOPATHY. Identifiers: Orphanet 217569, MedGen C0007194, MeSH D002312, MONDO:0005045, HP:0001639.

Allele frequency attached by ClinVar (database versions not stated): gnomAD exomes 0.00002; ExAC 0.00003; gnomAD 0.00010; 1000 Genomes Project 30x 0.00016; ESP Exome Variant Server 0.00017; TOPMed 0.00018; 1000 Genomes Project 0.00020.

Submissions (2):

Labcorp Genetics (formerly Invitae), Labcorp
Classification: Uncertain significance for Hypertrophic cardiomyopathy. Last evaluated: 2025-12-24. Review status: criteria provided, single submitter. Criteria: Invitae Variant Classification Sherloc (09022015). Collection method: clinical testing. Allele origin: germline.
Comment: This sequence change replaces isoleucine, which is neutral and non-polar, with valine, which is neutral and non-polar, at codon 1415 of the MYOM1 protein (p.Ile1415Val). This variant is present in population databases (rs190368385, gnomAD 0.03%). This variant has not been reported in the literature in individuals affected with MYOM1-related conditions. ClinVar contains an entry for this variant (Variation ID: 582235). Invitae Evidence Modeling of protein sequence and biophysical properties (such as structural, functional, and spatial information, amino acid conservation, physicochemical variation, residue mobility, and thermodynamic stability) indicates that this missense variant is not expected to disrupt MYOM1 protein function with a negative predictive value of 80%. In summary, the available evidence is currently insufficient to determine the role of this variant in disease. Therefore, it has been classified as a Variant of Uncertain Significance.

Ambry Genetics
Classification: Uncertain significance. Last evaluated: 2025-03-03. Review status: criteria provided, single submitter. Criteria: Ambry Variant Classification Scheme 2023. Collection method: clinical testing. Allele origin: germline.

NM_003803.4(MYOM1):c.4243A>G (p.Ile1415Val)

Gene: MYOM1 (myomesin 1; minus strand). Cytogenetic location: 18p11.31.
Variant type: single nucleotide variant.
Coding change: c.4243A>G on transcript NM_003803.4 (MANE Select); coding-DNA position 4243, A replaced by G.
Protein change: p.Ile1415Val; replaces isoleucine 1415 with valine.
Molecular consequence: missense variant.
Genome position (GRCh38, 1-based): chr18:3,086,046, T>C on the plus strand (A>G on the coding strand, the complement: MYOM1 is on the minus strand). VCF-style: chr18-3086046-T-C. GRCh37 (hg19) VCF-style: chr18-3086044-T-C.
Other names: c.3955A>G, p.Ile1319Val (NM_019856.2); short protein forms I1415V, I1319V.
Identifiers: ClinVar variation 582235 (VCV000582235.8), dbSNP rs190368385, ClinGen allele CA8874014.
Genomic context (GRCh38, chr18:3,086,046, plus strand): 5'-AGATAGAGGGTAGAGAGCTAATATATTACATTTTACATTTATAATCGCCTACCTCTGTTA[T>C]AAGCAGGGTACATATACCATCCTTAAAGTCATGCTTTTCATCCACTGATATCTCCCTCTC-3'
Protein context (NP_003794.3, residues 1405-1425): DFKDGICTLL[Ile1415Val]TEFSKKDAGI